The following is an entry in ClinVar:

NM_016734.3(PAX5):c.490G>A (p.Val164Met)

Genes: PAX5 (paired box 5; minus strand), LOC105376032 (uncharacterized LOC105376032; plus strand). Cytogenetic location: 9p13.2.
Variant type: single nucleotide variant.
Coding change: c.490G>A on transcript NM_016734.3 (MANE Select); coding-DNA position 490, G replaced by A.
Protein change: p.Val164Met; replaces valine 164 with methionine.
Molecular consequence: missense variant. On other transcripts: non-coding transcript variant (4), intron variant (2).
Genome position (GRCh38, 1-based): chr9:37,002,762, C>T on the plus strand (G>A on the coding strand, the complement: PAX5 is on the minus strand). VCF-style: chr9-37002762-C-T. GRCh37 (hg19) VCF-style: chr9-37002759-C-T.
Other names: c.490G>A, p.Val164Met (NM_001280547.2, NM_001280548.2, NM_001280549.2 and 2 more transcripts); c.166G>A, p.Val56Met (NM_001280551.2, NM_001280556.2); c.292G>A, p.Val98Met (NM_001280555.2); c.475+3711G>A (NM_001280553.2, NM_001280554.2); short protein forms V164M, V98M, V56M.
Identifiers: ClinVar variation 4131395 (VCV004131395.1).

ClinVar aggregate classification (germline): Uncertain significance (1 of 4 stars; one submission).

Conditions:
Inborn genetic diseases. Identifiers: MedGen C0950123, MeSH D030342.

Submission:

Ambry Genetics
Classification: Uncertain significance for Inborn genetic diseases. Last evaluated: 2025-06-28. Review status: criteria provided, single submitter. Criteria: Ambry Variant Classification Scheme 2023. Collection method: clinical testing. Allele origin: germline.
Comment: The p.V164M variant (also known as c.490G>A), located in coding exon 5 of the PAX5 gene, results from a G to A substitution at nucleotide position 490. The valine at codon 164 is replaced by methionine, an amino acid with highly similar properties. This amino acid position is conserved. In addition, the in silico prediction for this alteration is inconclusive. Based on the available evidence, the clinical significance of this variant remains unclear.